The following is an entry in ClinVar:

NM_015021.3(ZNF292):c.6161_6164del (p.Glu2054fs)

Gene: ZNF292 (zinc finger protein 292; plus strand). Cytogenetic location: 6q14.3.
Variant type: Deletion.
Coding change: c.6161_6164del on transcript NM_015021.3 (MANE Select); coding-DNA positions 6161 to 6164, 4 bases deleted (AAAG; older notation c.6161_6164delAAAG).
Protein change: p.Glu2054fs; shifts the reading frame from glutamic acid 2054.
Molecular consequence: frameshift variant.
Genome position (GRCh38, 1-based): chr6:87,259,790-87,259,793, AAAG deleted; deleting any 4 consecutive bases within chr6:87,259,788-87,259,793 gives the same sequence; the c. name uses the placement nearest the transcript's 3' end. VCF-style (leftmost placement, unchanged base first): chr6-87259787-CAGAA-C. GRCh37 (hg19) VCF-style: chr6-87969505-CAGAA-C.
Other names: c.5741_5744del, p.Glu1914fs (NM_001351444.2); short protein forms E1914fs, E2054fs.
Identifiers: ClinVar variation 2583039 (VCV002583039.25), dbSNP rs2482353118, ClinGen allele CA2578686059.

ClinVar aggregate classification (germline): Likely pathogenic (1 of 4 stars; one submission).

Submission:

CeGaT Center for Human Genetics Tuebingen
Classification: Likely pathogenic. Last evaluated: 2023-09-01. Review status: criteria provided, single submitter. Criteria: CeGaT Center For Human Genetics Tuebingen Variant Classification Criteria Version 2. Collection method: clinical testing. Allele origin: germline. Affected: yes. Observed: 1 variant allele.
Comment: ZNF292: PVS1:Strong, PM2, PS2:Supporting